The following is an entry in ClinVar:

NM_002816.5(PSMD12):c.430C>T (p.Arg144Ter)

Gene: PSMD12 (proteasome 26S subunit, non-ATPase 12; minus strand). Cytogenetic location: 17q24.2.
Variant type: single nucleotide variant.
Coding change: c.430C>T on transcript NM_002816.5 (MANE Select); coding-DNA position 430, C replaced by T.
Protein change: p.Arg144Ter; replaces arginine 144 with a stop codon.
Molecular consequence: nonsense.
Genome position (GRCh38, 1-based): chr17:67,348,630, G>A on the plus strand (C>T on the coding strand, the complement: PSMD12 is on the minus strand). VCF-style: chr17-67348630-G-A. GRCh37 (hg19) VCF-style: chr17-65344746-G-A.
Other names: c.253C>T, p.Arg85Ter (NM_001316341.2); c.370C>T, p.Arg124Ter (NM_174871.4); short protein forms R124*, R144*, R85*.
Identifiers: ClinVar variation 987109 (VCV000987109.6), dbSNP rs2041990527, ClinGen allele CA400805326.

ClinVar aggregate classification (germline): Pathogenic/Likely pathogenic. Review status: criteria provided, multiple submitters, no conflicts (2 of 4 stars). 4 submissions from 4 submitters: Pathogenic (2); Likely pathogenic (2). Last evaluated 2026-01-22.

Conditions:
Stankiewicz-Isidor syndrome (STISS). Identifiers: MedGen C4479599, MONDO:0054591, OMIM 617516.

Allele frequency attached by ClinVar (database versions not stated): TOPMed below 0.00001.

Submissions (4):

Laboratorio de Genetica e Diagnostico Molecular, Hospital Israelita Albert Einstein
Classification: Likely pathogenic for Stankiewicz-Isidor syndrome. Last evaluated: 2026-01-22. Review status: criteria provided, single submitter. Criteria: ACMG Guidelines, 2015. Collection method: clinical testing. Allele origin: germline. Affected: yes.
Comment: ACMG classification criteria: PVS1 very strong, PM2 supporting

Revvity Omics, Revvity
Classification: Pathogenic for Stankiewicz-Isidor syndrome. Last evaluated: 2025-03-14. Review status: criteria provided, single submitter. Criteria: ACMG Guidelines, 2015. Collection method: clinical testing. Allele origin: germline.

GeneDx
Classification: Pathogenic. Last evaluated: 2021-12-22. Review status: criteria provided, single submitter. Criteria: GeneDx Variant Classification Process June 2021. Collection method: clinical testing. Allele origin: germline. Affected: yes.
Comment: Nonsense variant predicted to result in protein truncation or nonsense mediated decay in a gene for which loss-of-function is a known mechanism of disease; Not observed in large population cohorts (Lek et al., 2016); This variant is associated with the following publications: (PMID: 29738522)

Institute of Medical Genetics and Applied Genomics, University Hospital Tübingen
Classification: Likely pathogenic. Last evaluated: 2020-10-23. Review status: criteria provided, single submitter. Criteria: ACMG Guidelines, 2015. Collection method: clinical testing. Allele origin: germline. Inheritance: Unknown mechanism. Affected: yes.